The following is an entry in ClinVar:

ClinVar aggregate classification (germline): Benign. Review status: criteria provided, multiple submitters, no conflicts (2 of 4 stars). 3 submissions from 3 submitters: Benign (2). 1 of the submissions does not count toward it. Last evaluated 2019-12-31.

Conditions:
MYO9B-related disorder. Also called: MYO9B-related condition.

Allele frequency attached by ClinVar (database versions not stated): ExAC 0.00602; 1000 Genomes Project 30x 0.00312; 1000 Genomes Project 0.00319; TOPMed 0.00388; ESP Exome Variant Server 0.00502.
gnomAD v4.1: 8,894 of 1,612,992 alleles (0.55%); highest among the groups gnomAD compares: Middle Eastern, 2%; 47 homozygotes.

Submissions (3):

Labcorp Genetics (formerly Invitae), Labcorp
Classification: Benign. Last evaluated: 2019-12-31. Review status: criteria provided, single submitter. Criteria: Invitae Variant Classification Sherloc (09022015). Collection method: clinical testing. Allele origin: germline.

Breakthrough Genomics
Classification: Benign. Review status: criteria provided, single submitter. Criteria: ACMG Guidelines, 2015. Collection method: not provided. Allele origin: germline. Inheritance: Unknown mechanism. Affected: yes.

PreventionGenetics, part of Exact Sciences
Classification: Benign for MYO9B-related condition. Last evaluated: 2019-03-29. Review status: no assertion criteria provided. Collection method: clinical testing. Allele origin: germline. Not counted in ClinVar's aggregate classification.
Comment: This variant is classified as benign based on ACMG/AMP sequence variant interpretation guidelines (Richards et al. 2015 PMID: 25741868, with internal and published modifications).

NM_004145.4(MYO9B):c.6053C>T (p.Ser2018Leu)

Gene: MYO9B (myosin IXB; plus strand). Cytogenetic location: 19p13.11.
Variant type: single nucleotide variant.
Coding change: c.6053C>T on transcript NM_004145.4 (MANE Select); coding-DNA position 6053, C replaced by T.
Protein change: p.Ser2018Leu; replaces serine 2018 with leucine.
Molecular consequence: missense variant.
Genome position (GRCh38, 1-based): chr19:17,211,769, C>T. VCF-style: chr19-17211769-C-T. GRCh37 (hg19) VCF-style: chr19-17322578-C-T.
Other names: c.6053C>T, p.Ser2018Leu (NM_001130065.2); c.6053C>T (NM_001130065.1); short protein forms S2018L.
Identifiers: ClinVar variation 771035 (VCV000771035.7), dbSNP rs199695802, ClinGen allele CA9288791.
Genomic context (GRCh38, chr19:17,211,769, plus strand): 5'-ACTCGGAGACGTCGGCCAGCACCGAGAGCCTGCTGGAGGAGCGGGCCGGGCGGGGGGCCT[C>T]GGAAGGTCAGTATTAAGGTAGCGTCTGCTTTTCTCCTTCCCGTCCATCCCAGCAGGCCCC-3'
Protein context (NP_004136.2, residues 2008-2028): LLEERAGRGA[Ser2018Leu]EGPPAPALPC